The following is an entry in ClinVar:

NM_001401501.2(MUC16):c.35783C>G (p.Thr11928Arg)

Gene: MUC16 (mucin 16, cell surface associated; minus strand). Cytogenetic location: 19p13.2.
Variant type: single nucleotide variant.
Coding change: c.35783C>G on transcript NM_001401501.2 (MANE Select); coding-DNA position 35783, C replaced by G.
Protein change: p.Thr11928Arg; replaces threonine 11928 with arginine.
Molecular consequence: missense variant.
Genome position (GRCh38, 1-based): chr19:8,935,292, G>C on the plus strand (C>G on the coding strand, the complement: MUC16 is on the minus strand). VCF-style: chr19-8935292-G-C. GRCh37 (hg19) VCF-style: chr19-9045968-G-C.
Other names: c.36209C>G, p.Thr12070Arg (NM_001414686.1); c.35663C>G, p.Thr11888Arg (NM_001414687.1, NM_024690.2); short protein forms T11888R, T11928R, T12070R.
Identifiers: ClinVar variation 3052823 (VCV003052823.2), dbSNP rs61746392, ClinGen allele CA9165989.

ClinVar aggregate classification (germline): Benign (0 of 4 stars; one submission).

Conditions:
MUC16-related disorder. Also called: MUC16-related condition.

Allele frequency attached by ClinVar (database versions not stated): 1000 Genomes Project 0.00419; 1000 Genomes Project 30x 0.00437; ESP Exome Variant Server 0.00486.

Submission:

PreventionGenetics, part of Exact Sciences
Classification: Benign for MUC16-related condition. Last evaluated: 2019-11-25. Review status: no assertion criteria provided. Collection method: clinical testing. Allele origin: germline.
Comment: This variant is classified as benign based on ACMG/AMP sequence variant interpretation guidelines (Richards et al. 2015 PMID: 25741868, with internal and published modifications).